The following is an entry in ClinVar:

NM_001193313.2(SUGCT):c.779G>A (p.Arg260His)

Gene: SUGCT (succinyl-CoA:glutarate-CoA transferase; plus strand). Cytogenetic location: 7p14.1.
Variant type: single nucleotide variant.
Coding change: c.779G>A on transcript NM_001193313.2 (MANE Select); coding-DNA position 779, G replaced by A.
Protein change: p.Arg260His; replaces arginine 260 with histidine.
Molecular consequence: missense variant.
Genome position (GRCh38, 1-based): chr7:40,316,818, G>A. VCF-style: chr7-40316818-G-A. GRCh37 (hg19) VCF-style: chr7-40356417-G-A.
Other names: c.779G>A, p.Arg260His (NM_001193311.2); c.635G>A, p.Arg212His (NM_001193312.2); c.668G>A, p.Arg223His (NM_024728.3); short protein forms R212H, R260H, R223H.
Identifiers: ClinVar variation 2313173 (VCV002313173.6), dbSNP rs192547523, ClinGen allele CA4229591.

ClinVar aggregate classification (germline): Uncertain significance. Review status: criteria provided, multiple submitters, no conflicts (2 of 4 stars). 2 submissions from 2 submitters: Uncertain significance (2). Last evaluated 2025-05-13.

Allele frequency attached by ClinVar (database versions not stated): gnomAD 0.00001; TOPMed 0.00002; ExAC 0.00004; 1000 Genomes Project 30x 0.00016; 1000 Genomes Project 0.00020.
gnomAD v4.1: 19 of 1,601,838 alleles (0.0012%); highest among the groups gnomAD compares: Admixed American, 0.012%; no homozygotes.

Submissions (2):

Ambry Genetics
Classification: Uncertain significance. Last evaluated: 2025-05-13. Review status: criteria provided, single submitter. Criteria: Ambry Variant Classification Scheme 2023. Collection method: clinical testing. Allele origin: germline.

Labcorp Genetics (formerly Invitae), Labcorp
Classification: Uncertain significance. Last evaluated: 2023-07-30. Review status: criteria provided, single submitter. Criteria: Invitae Variant Classification Sherloc (09022015). Collection method: clinical testing. Allele origin: germline.
Comment: This variant is present in population databases (rs192547523, gnomAD 0.02%). This sequence change replaces arginine, which is basic and polar, with histidine, which is basic and polar, at codon 230 of the SUGCT protein (p.Arg230His). This variant has not been reported in the literature in individuals affected with SUGCT-related conditions. ClinVar contains an entry for this variant (Variation ID: 2313173). Experimental studies and prediction algorithms are not available or were not evaluated, and the functional significance of this variant is currently unknown. In summary, the available evidence is currently insufficient to determine the role of this variant in disease. Therefore, it has been classified as a Variant of Uncertain Significance.